The following is an entry in ClinVar:

ClinVar aggregate classification (germline): Uncertain significance (1 of 4 stars; one submission).

Submission:

GeneDx
Classification: Uncertain significance. Last evaluated: 2023-03-15. Review status: criteria provided, single submitter. Criteria: GeneDx Variant Classification Process June 2021. Collection method: clinical testing. Allele origin: germline.
Comment: Not observed at significant frequency in large population cohorts (gnomAD); In silico analysis supports that this missense variant does not alter protein structure/function; Has not been previously published as pathogenic or benign to our knowledge; This variant is associated with the following publications: (PMID: 26100331, 25609763, 25512093)

NM_001376.5(DYNC1H1):c.5303G>C (p.Ser1768Thr)

Gene: DYNC1H1 (dynein cytoplasmic 1 heavy chain 1; plus strand). Cytogenetic location: 14q32.31.
Variant type: single nucleotide variant.
Coding change: c.5303G>C on transcript NM_001376.5 (MANE Select); coding-DNA position 5303, G replaced by C.
Protein change: p.Ser1768Thr; replaces serine 1768 with threonine.
Molecular consequence: missense variant.
Genome position (GRCh38, 1-based): chr14:102,005,106, G>C. VCF-style: chr14-102005106-G-C. GRCh37 (hg19) VCF-style: chr14-102471443-G-C.
Other names: short protein forms S1768T.
Identifiers: ClinVar variation 1699510 (VCV001699510.3), dbSNP rs1470753138, ClinGen allele CA391046409.